The following is an entry in ClinVar:

ClinVar aggregate classification (germline): Uncertain significance (1 of 4 stars; one submission).

Conditions:
Neurodevelopmental disorder with impaired language and ataxia and with or without seizures. Identifiers: MedGen C5562006, MONDO:0859201, OMIM 619580.

Submission:

Genomic Medicine Center of Excellence, King Faisal Specialist Hospital and Research Centre
Classification: Uncertain significance for Neurodevelopmental disorder with impaired language and ataxia and with or without seizures. Last evaluated: 2024-10-13. Review status: criteria provided, single submitter. Criteria: ACMG Guidelines, 2015. Collection method: clinical testing. Allele origin: germline.
Comment: This variant (GRCh38; NM_021956.5:c.1330G>C:p.Val444Leu) results in a missense mutation with the conversion of Valine (Nonpolar amino acid) to Leucine (Nonplar amino acid) in the GRIK2 protein. This variant has a strong Conservation score. In-silico analysis supports that this missense variant is pathogenic. Not observed at significant frequency in large population cohorts (gnomAD) To our knowledge this variant not been previously curated or reported in public Database. Based on insufficient or conflicting evidence, the clinical significance of this alteration remains unclear. A literature search was performed for the gene and associated variants. Based on this search no publications were found. This variant is therefore classified as variant of Unknown Clinical Significance.

NM_021956.5(GRIK2):c.1330G>C (p.Val444Leu)

Gene: GRIK2 (glutamate ionotropic receptor kainate type subunit 2; plus strand). Cytogenetic location: 6q16.3.
Variant type: single nucleotide variant.
Coding change: c.1330G>C on transcript NM_021956.5 (MANE Select); coding-DNA position 1330, G replaced by C.
Protein change: p.Val444Leu; replaces valine 444 with leucine.
Molecular consequence: missense variant.
Genome position (GRCh38, 1-based): chr6:101,859,299, G>C. VCF-style: chr6-101859299-G-C. GRCh37 (hg19) VCF-style: chr6-102307174-G-C.
Other names: c.1330G>C, p.Val444Leu (NM_001166247.1, NM_175768.3); short protein forms V444L.
Identifiers: ClinVar variation 3363144 (VCV003363144.1).
Genomic context (GRCh38, chr6:101,859,299, plus strand): 5'-GTTTCATGATTAACTGTTACCTCTTTTCTTCTTTTTCAATGTTTTCAGGAAGAGCCTTAT[G>C]TCCTTTTTAAGAAGTCTGACAAACCTCTCTATGGTAATGATCGATTTGAAGGCTATTGCA-3'
Protein context (NP_068775.1, residues 434-454): IVTTILEEPY[Val444Leu]LFKKSDKPLY